The following is an entry in ClinVar:

NM_001111.5(ADAR):c.2026G>A (p.Ala676Thr)

Gene: ADAR (adenosine deaminase RNA specific; minus strand). Cytogenetic location: 1q21.3.
Variant type: single nucleotide variant.
Coding change: c.2026G>A on transcript NM_001111.5 (MANE Select); coding-DNA position 2026, G replaced by A.
Protein change: p.Ala676Thr; replaces alanine 676 with threonine.
Molecular consequence: missense variant.
Genome position (GRCh38, 1-based): chr1:154,597,176, C>T on the plus strand (G>A on the coding strand, the complement: ADAR is on the minus strand). VCF-style: chr1-154597176-C-T. GRCh37 (hg19) VCF-style: chr1-154569652-C-T.
Other names: c.1141G>A, p.Ala381Thr (NM_001025107.3, NM_001193495.2, NM_001365046.1 and 3 more transcripts); c.2053G>A, p.Ala685Thr (NM_001365045.1); c.2026G>A, p.Ala676Thr (NM_015840.4, NM_015841.4); short protein forms A381T, A685T, A676T.
Identifiers: ClinVar variation 1354052 (VCV001354052.8), dbSNP rs2101620927, ClinGen allele CA342638190.

ClinVar aggregate classification (germline): Uncertain significance (1 of 4 stars; one submission).

Conditions:
Symmetrical dyschromatosis of extremities (DSH). Also called: Dyschromatosis symmetrica hereditaria; DYSCHROMATOSIS SYMMETRICA HEREDITARIA 1; RETICULATE ACROPIGMENTATION OF DOHI; SYMMETRIC DYSCHROMATOSIS OF THE EXTREMITIES. Identifiers: Orphanet 41, MedGen C0406775, MONDO:0007483, OMIM 127400.
Aicardi-Goutieres syndrome 6 (AGS6). Identifiers: Orphanet 51, MedGen C3539013, MONDO:0014007, OMIM 615010.

Submission:

Labcorp Genetics (formerly Invitae), Labcorp
Classification: Uncertain significance for Aicardi-Goutieres syndrome 6; Symmetrical dyschromatosis of extremities. Last evaluated: 2022-08-31. Review status: criteria provided, single submitter. Criteria: Invitae Variant Classification Sherloc (09022015). Collection method: clinical testing. Allele origin: germline.
Comment: This variant has not been reported in the literature in individuals affected with ADAR-related conditions. In summary, the available evidence is currently insufficient to determine the role of this variant in disease. Therefore, it has been classified as a Variant of Uncertain Significance. Algorithms developed to predict the effect of missense changes on protein structure and function are either unavailable or do not agree on the potential impact of this missense change (SIFT: "Deleterious"; PolyPhen-2: "Probably Damaging"; Align-GVGD: "Class C0"). ClinVar contains an entry for this variant (Variation ID: 1354052). This variant is not present in population databases (gnomAD no frequency). This sequence change replaces alanine, which is neutral and non-polar, with threonine, which is neutral and polar, at codon 676 of the ADAR protein (p.Ala676Thr).